The following is an entry in ClinVar:

ClinVar aggregate classification (germline): Uncertain significance. Review status: criteria provided, multiple submitters, no conflicts (2 of 4 stars). 3 submissions from 3 submitters: Uncertain significance (3). Last evaluated 2025-01-30.

Conditions:
Peroxisome biogenesis disorder 7A (Zellweger). Also called: Peroxisome biogenesis disorder 7A. Identifiers: Orphanet 912, MedGen C3888385, MONDO:0013938, OMIM 614872.
Peroxisome biogenesis disorder 7B (PBD7B). Identifiers: Orphanet 44, MedGen C3553951, MONDO:0013939, OMIM 614873.
PEX26-related disorder. Also called: PEX26-related condition.
Inborn genetic diseases. Identifiers: MedGen C0950123, MeSH D030342.

Allele frequency attached by ClinVar (database versions not stated): gnomAD exomes below 0.00001 and 0.00001; TOPMed 0.00001; ExAC 0.00002; gnomAD 0.00002 and 0.00004.
gnomAD v4.1: 10 of 1,613,986 alleles (0.00062%); highest among the groups gnomAD compares: East Asian, 0.018%; no homozygotes.

Submissions (3):

PreventionGenetics, part of Exact Sciences
Classification: Uncertain significance for PEX26-related condition. Last evaluated: 2025-01-30. Review status: criteria provided, single submitter. Criteria: ACMG Guidelines, 2015. Collection method: clinical testing. Allele origin: germline.
Comment: The PEX26 c.653A>G variant is predicted to result in the amino acid substitution p.Lys218Arg. To our knowledge, this variant has not been reported in the literature. This variant is reported in 0.020% of alleles in individuals of East Asian descent in gnomAD. At this time, the clinical significance of this variant is uncertain due to the absence of conclusive functional and genetic evidence.

Labcorp Genetics (formerly Invitae), Labcorp
Classification: Uncertain significance for Peroxisome biogenesis disorder 7A (Zellweger); Peroxisome biogenesis disorder 7B. Last evaluated: 2022-06-13. Review status: criteria provided, single submitter. Criteria: Invitae Variant Classification Sherloc (09022015). Collection method: clinical testing. Allele origin: germline.
Comment: This sequence change replaces lysine, which is basic and polar, with arginine, which is basic and polar, at codon 218 of the PEX26 protein (p.Lys218Arg). This variant is present in population databases (rs773676634, gnomAD 0.02%). This variant has not been reported in the literature in individuals affected with PEX26-related conditions. Algorithms developed to predict the effect of missense changes on protein structure and function output the following: SIFT: "Tolerated"; PolyPhen-2: "Benign"; Align-GVGD: "Class C0". The arginine amino acid residue is found in multiple mammalian species, which suggests that this missense change does not adversely affect protein function. In summary, the available evidence is currently insufficient to determine the role of this variant in disease. Therefore, it has been classified as a Variant of Uncertain Significance.

Ambry Genetics
Classification: Uncertain significance for Inborn genetic diseases. Last evaluated: 2020-12-10. Review status: criteria provided, single submitter. Criteria: Ambry Variant Classification Scheme 2023. Collection method: clinical testing. Allele origin: germline.
Comment: The c.653A>G (p.K218R) alteration is located in exon 4 (coding exon 3) of the PEX26 gene. This alteration results from a A to G substitution at nucleotide position 653, causing the lysine (K) at amino acid position 218 to be replaced by an arginine (R). The p.K218R alteration is predicted to be tolerated by in silico analysis. Based on insufficient or conflicting evidence, the clinical significance of this alteration remains unclear.

NM_001127649.3(PEX26):c.653A>G (p.Lys218Arg)

Gene: PEX26 (peroxisomal biogenesis factor 26; plus strand). Cytogenetic location: 22q11.21.
Variant type: single nucleotide variant.
Coding change: c.653A>G on transcript NM_001127649.3 (MANE Select); coding-DNA position 653, A replaced by G.
Protein change: p.Lys218Arg; replaces lysine 218 with arginine.
Molecular consequence: missense variant.
Genome position (GRCh38, 1-based): chr22:18,083,718, A>G. VCF-style: chr22-18083718-A-G. GRCh37 (hg19) VCF-style: chr22-18566484-A-G.
Other names: c.653A>G, p.Lys218Arg (NM_001199319.2, NM_017929.6); c.653A>G (NM_017929.5); short protein forms K218R.
Identifiers: ClinVar variation 1394633 (VCV001394633.7), dbSNP rs773676634, ClinGen allele CA10093369.
Genomic context (GRCh38, chr22:18,083,718, plus strand): 5'-CCATTCACACAGCGAGGCAGCAGCAGAAACAGGAACACTCAGGCTCTGAGGAGGCCCAGA[A>G]GCCAAACCTGGAAGGTAGGACATTATCCCTCTGCGACCTCTGTAAAGTGGACTTGCGGGC-3'
Protein context (NP_001121121.1, residues 208-228): QEHSGSEEAQ[Lys218Arg]PNLEGSVSHK